The following is an entry in ClinVar:

NM_001365951.3(KIF1B):c.5179C>T (p.Arg1727Trp)

Gene: KIF1B (kinesin family member 1B; plus strand). Cytogenetic location: 1p36.22.
Variant type: single nucleotide variant.
Coding change: c.5179C>T on transcript NM_001365951.3 (MANE Select); coding-DNA position 5179, C replaced by T.
Protein change: p.Arg1727Trp; replaces arginine 1727 with tryptophan.
Molecular consequence: missense variant.
Genome position (GRCh38, 1-based): chr1:10,374,936, C>T. VCF-style: chr1-10374936-C-T. GRCh37 (hg19) VCF-style: chr1-10434994-C-T.
Other names: c.5179C>T, p.Arg1727Trp (NM_001365952.1); c.5041C>T, p.Arg1681Trp (NM_015074.3); short protein forms R1727W, R1681W.
Identifiers: ClinVar variation 2624435 (VCV002624435.3), dbSNP rs1638840920, ClinGen allele CA338330693.

ClinVar aggregate classification (germline): Uncertain significance (1 of 4 stars; one submission).

Allele frequency attached by ClinVar (database versions not stated): TOPMed 0.00001.
gnomAD v4.1: 1 of 1,614,122 alleles (0.000062%); highest among the groups gnomAD compares: Non-Finnish European, 0.000085%; no homozygotes.

Submission:

Ambry Genetics
Classification: Uncertain significance. Last evaluated: 2025-11-26. Review status: criteria provided, single submitter. Criteria: Ambry Variant Classification Scheme 2023. Collection method: clinical testing. Allele origin: germline.
Comment: The p.R1681W variant (also known as c.5041C>T), located in coding exon 44 of the KIF1B gene, results from a C to T substitution at nucleotide position 5041. The arginine at codon 1681 is replaced by tryptophan, an amino acid with dissimilar properties. This amino acid position is conserved. In addition, the in silico prediction for this alteration is inconclusive. Since supporting evidence is limited at this time, the clinical significance of this alteration remains unclear.